The following is an entry in ClinVar:

NM_032866.5(CGNL1):c.2610+9C>T

Gene: CGNL1 (cingulin like 1; plus strand). Cytogenetic location: 15q21.3.
Variant type: single nucleotide variant.
Coding change: c.2610+9C>T on transcript NM_032866.5 (MANE Select); 9 bases into the intron after coding-DNA position 2610, C replaced by T.
Molecular consequence: intron variant.
Genome position (GRCh38, 1-based): chr15:57,516,995, C>T. VCF-style: chr15-57516995-C-T. GRCh37 (hg19) VCF-style: chr15-57809193-C-T.
Other names: c.2610+9C>T (NM_001252335.2).
Identifiers: ClinVar variation 3053776 (VCV003053776.2), dbSNP rs758172043, ClinGen allele CA7582217.
Genomic context (GRCh38, chr15:57,516,995, plus strand): 5'-GGACCTGAAAGGCGATGAAGCCAAGGCGAAGGAAACGCTGAAGAAGTACGAGGTGAGGCT[C>T]GCTGGGCCCAGGCCCAGCTTTGGCAGCTGCTGCTCCTTCTTTCCTGTGTAAGTGATTTCA-3'

ClinVar aggregate classification (germline): Likely benign (0 of 4 stars; one submission).

Conditions:
CGNL1-related disorder. Also called: CGNL1-related condition.

Allele frequency attached by ClinVar (database versions not stated): TOPMed 0.00001; ExAC 0.00002; gnomAD exomes 0.00002; gnomAD 0.00004.
gnomAD v4.1: 38 of 1,610,142 alleles (0.0024%); highest among the groups gnomAD compares: Middle Eastern, 0.018%; no homozygotes.

Submission:

PreventionGenetics, part of Exact Sciences
Classification: Likely benign for CGNL1-related condition. Last evaluated: 2019-08-16. Review status: no assertion criteria provided. Collection method: clinical testing. Allele origin: germline.
Comment: This variant is classified as likely benign based on ACMG/AMP sequence variant interpretation guidelines (Richards et al. 2015 PMID: 25741868, with internal and published modifications).